The following is an entry in ClinVar:

ClinVar aggregate classification (germline): Uncertain significance. Review status: criteria provided, multiple submitters, no conflicts (2 of 4 stars). 2 submissions from 2 submitters: Uncertain significance (2). Last evaluated 2026-07-07.

Conditions:
Oligodontia-cancer predisposition syndrome. Also called: TOOTH AGENESIS-COLORECTAL CANCER SYNDROME. Identifiers: Orphanet 300576, MedGen C1837750, MONDO:0012075, OMIM 608615. Disease mechanism: loss of function.
Hereditary cancer-predisposing syndrome. Also called: Hereditary Cancer Syndrome; Tumor predisposition; Neoplastic Syndromes, Hereditary; Hereditary neoplastic syndrome. Identifiers: Orphanet 140162, MedGen C0027672, MeSH D009386, MONDO:0015356.

Allele frequency attached by ClinVar (database versions not stated): TOPMed below 0.00001.

Submissions (2):

Ambry Genetics
Classification: Uncertain significance for Hereditary cancer-predisposing syndrome. Last evaluated: 2026-07-07. Review status: criteria provided, single submitter. Criteria: Ambry Variant Classification Scheme 2023. Collection method: clinical testing. Allele origin: germline.
Comment: The p.F98L variant (also known as c.294C>G), located in coding exon 1 of the AXIN2 gene, results from a C to G substitution at nucleotide position 294. The phenylalanine at codon 98 is replaced by leucine, an amino acid with highly similar properties. This amino acid position is conserved. In addition, the in silico prediction for this alteration is inconclusive. Based on the available evidence, the clinical significance of this variant remains unclear.

Labcorp Genetics (formerly Invitae), Labcorp
Classification: Uncertain significance for Oligodontia-cancer predisposition syndrome. Last evaluated: 2021-11-28. Review status: criteria provided, single submitter. Criteria: Invitae Variant Classification Sherloc (09022015). Collection method: clinical testing. Allele origin: germline.
Comment: This variant has not been reported in the literature in individuals affected with AXIN2-related conditions. Algorithms developed to predict the effect of missense changes on protein structure and function are either unavailable or do not agree on the potential impact of this missense change (SIFT: "Deleterious"; PolyPhen-2: "Probably Damaging"; Align-GVGD: "Class C0"). In summary, the available evidence is currently insufficient to determine the role of this variant in disease. Therefore, it has been classified as a Variant of Uncertain Significance. This variant is not present in population databases (gnomAD no frequency). This sequence change replaces phenylalanine, which is neutral and non-polar, with leucine, which is neutral and non-polar, at codon 98 of the AXIN2 protein (p.Phe98Leu).

NM_004655.4(AXIN2):c.294C>G (p.Phe98Leu)

Gene: AXIN2 (axin 2; minus strand). Cytogenetic location: 17q24.1.
Variant type: single nucleotide variant.
Coding change: c.294C>G on transcript NM_004655.4 (MANE Select); coding-DNA position 294, C replaced by G.
Protein change: p.Phe98Leu; replaces phenylalanine 98 with leucine.
Molecular consequence: missense variant.
Genome position (GRCh38, 1-based): chr17:65,558,327, G>C on the plus strand (C>G on the coding strand, the complement: AXIN2 is on the minus strand). VCF-style: chr17-65558327-G-C. GRCh37 (hg19) VCF-style: chr17-63554445-G-C.
Other names: c.294C>G, p.Phe98Leu (NM_001363813.1); c.294C>G (NM_004655.3); short protein forms F98L.
Identifiers: ClinVar variation 1476295 (VCV001476295.7), dbSNP rs765473342, ClinGen allele CA400681719.